The following is an entry in ClinVar:

NM_001042492.3(NF1):c.6404C>T (p.Thr2135Ile)

Gene: NF1 (neurofibromin 1; plus strand). Cytogenetic location: 17q11.2.
Variant type: single nucleotide variant.
Coding change: c.6404C>T on transcript NM_001042492.3 (MANE Select); coding-DNA position 6404, C replaced by T.
Protein change: p.Thr2135Ile; replaces threonine 2135 with isoleucine.
Molecular consequence: missense variant.
Genome position (GRCh38, 1-based): chr17:31,336,891, C>T. VCF-style: chr17-31336891-C-T. GRCh37 (hg19) VCF-style: chr17-29663909-C-T.
Other names: c.6341C>T, p.Thr2114Ile (NM_000267.4); short protein forms T2114I, T2135I.
Identifiers: ClinVar variation 527511 (VCV000527511.12), dbSNP rs1555534770, ClinGen allele CA399012917.

ClinVar aggregate classification (germline): Pathogenic/Likely pathogenic. Review status: criteria provided, multiple submitters, no conflicts (2 of 4 stars). 3 submissions from 3 submitters: Pathogenic (1); Likely pathogenic (2). Last evaluated 2026-06-04.

Conditions:
Hereditary cancer-predisposing syndrome. Also called: Neoplastic Syndromes, Hereditary; Hereditary Cancer Syndrome; Tumor predisposition; Hereditary neoplastic syndrome. Identifiers: Orphanet 140162, MedGen C0027672, MeSH D009386, MONDO:0015356.
Cardiovascular phenotype. Identifiers: MedGen CN230736.
Neurofibromatosis, type 1 (NF1). Also called: Peripheral type neurofibromatosis; Neurofibromatosis, type I; VON RECKLINGHAUSEN DISEASE; NEUROFIBROMATOSIS, TYPE I, SOMATIC. Identifiers: Orphanet 636, MedGen C0027831, MONDO:0018975, OMIM 162200. Disease mechanism: loss of function.

Allele frequency attached by ClinVar (database versions not stated): gnomAD exomes below 0.00001.
gnomAD v4.1: 1 of 1,611,856 alleles (0.000062%); highest among the groups gnomAD compares: Non-Finnish European, 0.000085%; no homozygotes.

Submissions (3):

Ambry Genetics
Classification: Likely pathogenic for Cardiovascular phenotype; Hereditary cancer-predisposing syndrome. Last evaluated: 2026-06-04. Review status: criteria provided, single submitter. Criteria: Ambry Variant Classification Scheme 2023. Collection method: clinical testing. Allele origin: germline.
Comment: The p.T2114I variant (also known as c.6341C>T), located in coding exon 41 of the NF1 gene, results from a C to T substitution at nucleotide position 6341. The threonine at codon 2114 is replaced by isoleucine, an amino acid with similar properties. This variant was reported in individual(s) with features consistent with neurofibromatosis type 1 (NF1); in at least one individual, it was determined to be de novo or the result of germline mosaicism (Sabbagh A et al. Hum. Mutat., 2013 Nov;34:1510-8; Ambry internal data). This amino acid position is highly conserved in available vertebrate species. In addition, this alteration is predicted to be deleterious by in silico analysis. This missense variant is located in a region that has a low rate of benign missense variation (Lek M et al. Nature. 2016 Aug 18;536(7616):285-91; DECIPHER: Database of Chromosomal Imbalance and Phenotype in Humans using Ensembl Resources. Firth H.V. et al. 2009. Am.J.Hum.Genet. 84, 524-533 (DOI)). This variant is considered to be rare based on population cohorts in the Genome Aggregation Database (gnomAD). Based on the majority of available evidence to date, this variant is likely to be pathogenic.

Labcorp Genetics (formerly Invitae), Labcorp
Classification: Pathogenic for Neurofibromatosis, type 1. Last evaluated: 2025-12-18. Review status: criteria provided, single submitter. Criteria: Invitae Variant Classification Sherloc (09022015). Collection method: clinical testing. Allele origin: germline.
Comment: This sequence change replaces threonine, which is neutral and polar, with isoleucine, which is neutral and non-polar, at codon 2114 of the NF1 protein (p.Thr2114Ile). This variant is not present in population databases (gnomAD no frequency). This missense change has been observed in individual(s) with neurofibromatosis type 1 (PMID: 23913538, 31573083). In at least one individual the variant was observed to be de novo. ClinVar contains an entry for this variant (Variation ID: 527511). Invitae Evidence Modeling of protein sequence and biophysical properties (such as structural, functional, and spatial information, amino acid conservation, physicochemical variation, residue mobility, and thermodynamic stability) indicates that this missense variant is expected to disrupt NF1 protein function with a positive predictive value of 95%. For these reasons, this variant has been classified as Pathogenic.

GeneDx
Classification: Likely pathogenic. Last evaluated: 2025-06-03. Review status: criteria provided, single submitter. Criteria: GeneDx Variant Classification Process June 2021. Collection method: clinical testing. Allele origin: germline.
Comment: Observed in individuals with suspected or clinically diagnosed neurofibromatosis type 1 referred for genetic testing at GeneDx and in published literature (PMID: 23913538, 31573083); Not observed at significant frequency in large population cohorts (gnomAD); In silico analysis supports that this missense variant has a deleterious effect on protein structure/function; This variant is associated with the following publications: (PMID: 23913538, 31573083)

Literature cited by the submitters: PubMed 23913538 (cited by Ambry Genetics and Labcorp Genetics (formerly Invitae), Labcorp); PubMed 31573083 (cited by Labcorp Genetics (formerly Invitae), Labcorp).